The following is an entry in ClinVar:

NM_001009944.3(PKD1):c.6232C>T (p.Gln2078Ter)

Gene: PKD1 (polycystin 1, transient receptor potential channel interacting; minus strand). Cytogenetic location: 16p13.3.
Variant type: single nucleotide variant.
Coding change: c.6232C>T on transcript NM_001009944.3 (MANE Select); coding-DNA position 6232, C replaced by T.
Protein change: p.Gln2078Ter; replaces glutamine 2078 with a stop codon.
Molecular consequence: nonsense.
Genome position (GRCh38, 1-based): chr16:2,108,935, G>A on the plus strand (C>T on the coding strand, the complement: PKD1 is on the minus strand). VCF-style: chr16-2108935-G-A. GRCh37 (hg19) VCF-style: chr16-2158936-G-A.
Other names: c.6232C>T, p.Gln2078Ter (NM_000296.4); short protein forms Q2078*.
Identifiers: ClinVar variation 3335832 (VCV003335832.6).

ClinVar aggregate classification (germline): Pathogenic. Review status: criteria provided, multiple submitters, no conflicts (2 of 4 stars). 4 submissions from 4 submitters: Pathogenic (4). Last evaluated 2025-09-16.

Conditions:
Polycystic kidney disease, adult type (PKD1). Also called: POLYCYSTIC KIDNEY DISEASE, ADULT, TYPE I; Polycystic Kidney Disease 1, Autosomal Dominant; Polycystic kidney disease 1; Polycystic kidney disease 1, severe; POLYCYSTIC KIDNEY DISEASE 1 WITH OR WITHOUT POLYCYSTIC LIVER DISEASE; Polycystic Kidney, Autosomal Dominant. Identifiers: MedGen C3149841, MONDO:0008263, OMIM 173900.
PKD1-related disorder. Also called: PKD1-related condition.

Submissions (4):

Victorian Clinical Genetics Services, Murdoch Childrens Research Institute
Classification: Pathogenic for Polycystic kidney disease, adult type. Last evaluated: 2025-09-16. Review status: criteria provided, single submitter. Criteria: ACMG Guidelines, 2015. Collection method: clinical testing. Allele origin: germline. Affected: yes.
Comment: This variant is classified as Pathogenic. Evidence in support of pathogenic classification: Variant is predicted to cause nonsense-mediated decay (NMD) and loss of protein (premature termination codon is located at least 54 nucleotides upstream of the final exon-exon junction); Variant is absent from gnomAD (v2, v3 and v4); This variant has moderate previous evidence of pathogenicity in unrelated individuals. This variant has been classified as pathogenic by two clinical laboratories in ClinVar, and reported in the literature in individuals with ADPKD (PMID: 29529603); Other NMD-predicted variants comparable to the one identified in this case have very strong previous evidence for pathogenicity (DECIPHER). Additional information: This variant is heterozygous; This gene is associated with autosomal dominant disease. Polycystic kidney disease 1 (MIM#173900) is predominantly caused by monoallelic variants, with rare reports of biallelic variants causing disease (OMIM); Loss of function is a known mechanism of disease in this gene and is associated with polycystic kidney disease 1 (MIM#173900); Inheritance information for this variant is not currently available in this individual.

Fulgent Genetics
Classification: Pathogenic for Polycystic kidney disease, adult type. Last evaluated: 2024-05-31. Review status: criteria provided, single submitter. Criteria: ACMG Guidelines, 2015. Collection method: clinical testing. Allele origin: germline.

Blueprint Genetics
Classification: Pathogenic for PKD1-related disorders. Last evaluated: 2021-05-27. Review status: criteria provided, single submitter. Criteria: ACMG Guidelines, 2015. Collection method: clinical testing. Allele origin: germline. Affected: yes. Observed: 1 variant allele.

Juno Genomics, Hangzhou Juno Genomics, Inc
Classification: Pathogenic for Polycystic kidney disease, adult type. Review status: criteria provided, single submitter. Criteria: ACMG Guidelines, 2015. Collection method: clinical testing. Allele origin: germline. Affected: yes.
Comment: Null variant in a gene where loss of function (LOF) is a known mechanism of disease.;Absent from controls (or at extremely low frequency if recessive) in Genome Aggregation Database, Exome Sequencing Project, 1000 Genomes Project, or Exome Aggregation Consortium.;Patient's phenotype or family history is highly specific for a disease with a single genetic etiology.;The prevalence of the variant in affected individuals is significantly increased compared to the prevalence in controls.

Literature cited by the submitters: PubMed 29529603 (cited by Victorian Clinical Genetics Services, Murdoch Childrens Research Institute).